The following is an entry in ClinVar:

ClinVar aggregate classification (germline): Uncertain significance (1 of 4 stars; one submission).

Submission:

Women's Health and Genetics/Laboratory Corporation of America, LabCorp
Classification: Uncertain significance. Last evaluated: 2025-01-30. Review status: criteria provided, single submitter. Criteria: LabCorp Variant Classification Summary - May 2015. Collection method: clinical testing. Allele origin: germline.
Comment: Variant summary: CDON c.2961C>A (p.Cys987X) results in a premature termination codon, predicted to cause a truncation of the encoded protein or absence of the protein due to nonsense mediated decay, however current evidence is not sufficient to establish loss of function as a mechanism for disease. The variant was absent in 251320 control chromosomes. The available data on variant occurrences in the general population are insufficient to allow any conclusion about variant significance. To our knowledge, no occurrence of c.2961C>A in individuals affected with Holoprosencephaly 11 and no experimental evidence demonstrating its impact on protein function have been reported. No submitters have cited clinical-significance assessments for this variant to ClinVar. Based on the evidence outlined above, the variant was classified as uncertain significance.

NM_001378964.1(CDON):c.2961C>A (p.Cys987Ter)

Gene: CDON (cell adhesion associated, oncogene regulated; minus strand). Cytogenetic location: 11q24.2.
Variant type: single nucleotide variant.
Coding change: c.2961C>A on transcript NM_001378964.1 (MANE Select); coding-DNA position 2961, C replaced by A.
Protein change: p.Cys987Ter; replaces cysteine 987 with a stop codon.
Molecular consequence: nonsense.
Genome position (GRCh38, 1-based): chr11:125,983,906, G>T on the plus strand (C>A on the coding strand, the complement: CDON is on the minus strand). VCF-style: chr11-125983906-G-T. GRCh37 (hg19) VCF-style: chr11-125853801-G-T.
Other names: c.2961C>A, p.Cys987Ter (NM_001243597.3, NM_016952.6); short protein forms C987*.
Identifiers: ClinVar variation 3769105 (VCV003769105.2).